The following is an entry in ClinVar:

ClinVar aggregate classification (germline): Uncertain significance (1 of 4 stars; one submission).

Conditions:
Cystic fibrosis (CF). Also called: MUCOVISCIDOSIS. Identifiers: Orphanet 586, MedGen C0010674, MONDO:0009061, OMIM 219700. Disease mechanism: loss of function.

gnomAD v4.1: 3 of 151,248 alleles (0.002%); highest among the groups gnomAD compares: African/African-American, 0.0073%; no homozygotes.

Submission:

Johns Hopkins Genomics, Johns Hopkins University
Classification: Uncertain significance for Cystic fibrosis. Last evaluated: 2024-07-12. Review status: criteria provided, single submitter. Criteria: ACMG Guidelines, 2015. Collection method: clinical testing. Allele origin: germline.
Comment: PM2, PP4, BP4

NM_000492.4(CFTR):c.1585-6352T>C

Genes: CFTR (CF transmembrane conductance regulator; plus strand), LOC111674474 (DNase I hypersensitive site in intron 10c of CFTR; plus strand). Cytogenetic location: 7q31.2.
Variant type: single nucleotide variant.
Coding change: c.1585-6352T>C on transcript NM_000492.4 (MANE Select); 6352 bases into the intron before coding-DNA position 1585, T replaced by C.
Molecular consequence: intron variant.
Genome position (GRCh38, 1-based): chr7:117,581,387, T>C. VCF-style: chr7-117581387-T-C. GRCh37 (hg19) VCF-style: chr7-117221441-T-C.
Identifiers: ClinVar variation 4280050 (VCV004280050.1).